The following is an entry in ClinVar:

ClinVar aggregate classification (germline): Conflicting classifications of pathogenicity. Review status: criteria provided, conflicting classifications (1 of 4 stars). 6 submissions from 6 submitters: Uncertain significance (5); Benign (1). Last evaluated 2026-01-11.

Conditions:
Lynch syndrome. Identifiers: Orphanet 144, MedGen C4552100, MONDO:0005835. Disease mechanism: loss of function.
Hereditary cancer-predisposing syndrome. Also called: Hereditary Cancer Syndrome; Neoplastic Syndromes, Hereditary; Hereditary neoplastic syndrome; Tumor predisposition. Identifiers: Orphanet 140162, MedGen C0027672, MeSH D009386, MONDO:0015356.
Lynch syndrome 5 (LYNCH5). Also called: Hereditary non-polyposis colorectal cancer, type 5; Colorectal cancer, hereditary nonpolyposis, type 5. Identifiers: Orphanet 144, MedGen C1833477, MONDO:0013710, OMIM 614350. Disease mechanism: loss of function.
Hereditary nonpolyposis colorectal neoplasms. Identifiers: MedGen C0009405, MeSH D003123.

Allele frequency attached by ClinVar (database versions not stated): gnomAD exomes 0.00001 and 0.00003; ExAC 0.00003.
gnomAD v4.1: 18 of 1,614,152 alleles (0.0011%); highest among the groups gnomAD compares: South Asian, 0.015%; 1 homozygote.

Submissions (6):

Labcorp Genetics (formerly Invitae), Labcorp
Classification: Benign for Hereditary nonpolyposis colorectal neoplasms. Last evaluated: 2026-01-11. Review status: criteria provided, single submitter. Criteria: Invitae Variant Classification Sherloc (09022015). Collection method: clinical testing. Allele origin: germline.

Ambry Genetics
Classification: Uncertain significance for Hereditary cancer-predisposing syndrome. Last evaluated: 2025-08-27. Review status: criteria provided, single submitter. Criteria: Ambry Variant Classification Scheme 2023. Collection method: clinical testing. Allele origin: germline.
Comment: The p.I502T variant (also known as c.1505T>C), located in coding exon 4 of the MSH6 gene, results from a T to C substitution at nucleotide position 1505. The isoleucine at codon 502 is replaced by threonine, an amino acid with similar properties. This amino acid position is not well conserved in available vertebrate species. In addition, this alteration is predicted to be tolerated by in silico analysis. Since supporting evidence is limited at this time, the clinical significance of this alteration remains unclear.

All of Us Research Program, National Institutes of Health
Classification: Uncertain significance for Lynch syndrome. Last evaluated: 2024-07-10. Review status: criteria provided, single submitter. Criteria: ACMG Guidelines, 2015. Collection method: clinical testing. Allele origin: germline. Inheritance: Autosomal dominant inheritance. Observed: 1 variant allele, 1 heterozygote.
Comment: This missense variant replaces isoleucine with threonine at codon 502 of the MSH6 protein. Computational prediction suggests that this variant may not impact protein structure and function (internally defined REVEL score threshold <= 0.5, PMID: 27666373). To our knowledge, functional studies have not been reported for this variant. This variant has been reported in an individual affected with colorectal cancer, whose tumor showed microsatellite instability and absence of MLH1 and PMS2 proteins, as well as MLH1 promoter hypermethylation that could explain the observed phenotype (PMID: 24100870). This variant has been identified in 8/251198 chromosomes in the general population by the Genome Aggregation Database (gnomAD). The available evidence is insufficient to determine the role of this variant in disease conclusively. Therefore, this variant is classified as a Variant of Uncertain Significance.

This study involves interpretation of variants in research participants for the purpose of population health screening. Participant phenotype was not available at the time of variant classification. Additional details can be found in publication PMID: 35346344, PMCID: PMC8962531

Color Diagnostics, LLC DBA Color Health
Classification: Uncertain significance for Hereditary cancer-predisposing syndrome. Last evaluated: 2024-06-13. Review status: criteria provided, single submitter. Criteria: ACMG Guidelines, 2015. Collection method: clinical testing. Allele origin: germline.
Comment: This missense variant replaces isoleucine with threonine at codon 502 of the MSH6 protein. Computational prediction suggests that this variant may not impact protein structure and function (internally defined REVEL score threshold <= 0.5, PMID: 27666373). To our knowledge, functional studies have not been reported for this variant. This variant has been reported in an individual affected with colorectal cancer, whose tumor showed microsatellite instability and absence of MLH1 and PMS2 proteins, as well as MLH1 promoter hypermethylation that could explain the observed phenotype (PMID: 24100870). This variant has been identified in 8/251198 chromosomes in the general population by the Genome Aggregation Database (gnomAD). The available evidence is insufficient to determine the role of this variant in disease conclusively. Therefore, this variant is classified as a Variant of Uncertain Significance.

Neuberg Centre For Genomic Medicine, NCGM
Classification: Uncertain significance for Lynch syndrome 5. Last evaluated: 2023-06-22. Review status: criteria provided, single submitter. Criteria: ACMG Guidelines, 2015. Collection method: clinical testing. Allele origin: germline. Inheritance: Autosomal dominant inheritance. Affected: yes.
Comment: The missense c.1505T>C(p.Ile502Thr) variant in MSH6 gene has been reported previously in individual(s) affected with Colorectal cancer (Terui H, et al., 2013). The p.Ile502Thr variant is present with allele frequency of 0.003% in gnomAD Exomes. This variant has been reported to the ClinVar database as Benign / Uncertain Significance (multiple submissions). Multiple lines of computational evidences (Polyphen - Benign, SIFT - Tolerated and MutationTaster - Disease causing) predict conflicting evidence on protein structure and function for this variant. The reference amino acid at this position on MSH6 gene is predicted as conserved by GERP++ and PhyloP across 100 vertebrates. The amino acid Ile at position 502 is changed to a Thr changing protein sequence and it might alter its composition and physico-chemical properties. For these reasons, this variant has been classified as a Variant of Uncertain Significance (VUS).

GeneDx
Classification: Uncertain significance. Last evaluated: 2019-01-14. Review status: criteria provided, single submitter. Criteria: GeneDx Variant Classification (06012015). Collection method: clinical testing. Allele origin: germline. Affected: yes.
Comment: This variant is denoted MSH6 c.1505T>C at the cDNA level, p.Ile502Thr (I502T) at the protein level, and results in the change of an Isoleucine to a Threonine (ATA>ACA). This variant has been reported in an individual with colorectal cancer whose tumor was shown to have microsatellite instability and absence of MLH1 and PMS2 proteins on mismatch repair immunohistochemistry; however, the tumor was also positive for MLH1 promoter hypermethylation (Terui 2013). MSH6 Ile502Thr was observed at an allele frequency of 0.02% (4/16512) in individuals of South Asian ancestry in large population cohorts (NHLBI Exome Sequencing Project, The 1000 Genomes Consortium 2015, Lek 2016). Since Isoleucine and Threonine differ in polarity, charge, size or other properties, this is considered a non-conservative amino acid substitution. MSH6 Ile502Thr occurs at a position that is not conserved and is located in the mismatch binding domain (Warren 2007, Kansikas 2011). In silico analyses are inconsistent regarding the effect this variant may have on protein structure and function. Based on currently available evidence, it is unclear whether MSH6 Ile502Thr is a pathogenic or benign variant. We consider it to be a variant of uncertain significance.

Literature cited by the submitters: PubMed 24100870 (cited by 3 submitters).

NM_000179.3(MSH6):c.1505T>C (p.Ile502Thr)

Gene: MSH6 (mutS homolog 6; plus strand). Cytogenetic location: 2p16.3.
Variant type: single nucleotide variant.
Coding change: c.1505T>C on transcript NM_000179.3 (MANE Select); coding-DNA position 1505, T replaced by C.
Protein change: p.Ile502Thr; replaces isoleucine 502 with threonine.
Molecular consequence: missense variant.
Genome position (GRCh38, 1-based): chr2:47,799,488, T>C. VCF-style: chr2-47799488-T-C. GRCh37 (hg19) VCF-style: chr2-48026627-T-C.
Other names: c.1115T>C, p.Ile372Thr (NM_001281492.2); c.599T>C, p.Ile200Thr (NM_001281493.2, NM_001281494.2); short protein forms I502T, I372T, I200T.
Identifiers: ClinVar variation 428374 (VCV000428374.22), dbSNP rs749012012, ClinGen allele CA067775.